The following is an entry in ClinVar:

NM_006017.3(PROM1):c.2281-6C>G

Gene: PROM1 (prominin 1; minus strand). Cytogenetic location: 4p15.32.
Variant type: single nucleotide variant.
Coding change: c.2281-6C>G on transcript NM_006017.3 (MANE Select); 6 bases into the intron before coding-DNA position 2281, C replaced by G.
Molecular consequence: intron variant.
Genome position (GRCh38, 1-based): chr4:15,984,361, G>C on the plus strand (C>G on the coding strand, the complement: PROM1 is on the minus strand). VCF-style: chr4-15984361-G-C. GRCh37 (hg19) VCF-style: chr4-15985984-G-C.
Other names: c.2254-6C>G (NM_001145848.2, NM_001145852.2, NM_001145847.2 and 4 more transcripts); c.2281-6C>G (NM_001145850.2, NM_001145849.2).
Identifiers: ClinVar variation 95330 (VCV000095330.21), dbSNP rs3815344, ClinGen allele CA148436.

ClinVar aggregate classification (germline): Benign. Review status: criteria provided, multiple submitters, no conflicts (2 of 4 stars). 13 submissions from 7 submitters: Benign (13). Last evaluated 2026-02-03.

Conditions:
Retinitis pigmentosa (RP). Identifiers: Orphanet 791, MedGen C0035334, MeSH D012174, MONDO:0019200, OMIM 268000. Inheritance: Autosomal dominant, autosomal recessive and X linked inheritance.
Cone-rod dystrophy 12 (CORD12). Identifiers: Orphanet 1872, MedGen C2675210, MONDO:0012983, OMIM 612657.
Retinal macular dystrophy type 2 (MCDR2). Also called: Bull's eye macular dystrophy. Identifiers: Orphanet 319640, MedGen C4749334, MONDO:0011957, OMIM 608051.
Retinitis pigmentosa 41 (RP41). Also called: RETINAL DEGENERATION, AUTOSOMAL RECESSIVE, PROMININ-RELATED. Identifiers: Orphanet 791, MedGen C2677516, MONDO:0012796, OMIM 612095.
Stargardt disease 4 (STGD4). Identifiers: Orphanet 827, MedGen C1863534, MONDO:0011370, OMIM 603786.

Allele frequency attached by ClinVar (database versions not stated): 1000 Genomes Project 30x 0.17645; 1000 Genomes Project 0.17752; TOPMed 0.20046; ESP Exome Variant Server 0.20136; gnomAD 0.20394.
gnomAD v4.1: 376,795 of 1,556,772 alleles (24%); highest among the groups gnomAD compares: Admixed American, 32%; 47,813 homozygotes.

Submissions (14):

Labcorp Genetics (formerly Invitae), Labcorp
Classification: Benign. Last evaluated: 2026-02-03. Review status: criteria provided, single submitter. Criteria: Invitae Variant Classification Sherloc (09022015). Collection method: clinical testing. Allele origin: germline.

Genome-Nilou Lab
Classification: Benign for Cone-rod dystrophy 12. Last evaluated: 2021-10-25. Review status: criteria provided, single submitter. Criteria: ACMG Guidelines, 2015. Collection method: clinical testing. Allele origin: germline. Affected: no.

Genome-Nilou Lab
Classification: Benign for Retinal macular dystrophy type 2. Last evaluated: 2021-10-25. Review status: criteria provided, single submitter. Criteria: ACMG Guidelines, 2015. Collection method: clinical testing. Allele origin: germline. Affected: no.

Genome-Nilou Lab
Classification: Benign for Retinitis pigmentosa 41. Last evaluated: 2021-10-25. Review status: criteria provided, single submitter. Criteria: ACMG Guidelines, 2015. Collection method: clinical testing. Allele origin: germline. Affected: no.

Genome-Nilou Lab
Classification: Benign for Stargardt disease 4. Last evaluated: 2021-10-25. Review status: criteria provided, single submitter. Criteria: ACMG Guidelines, 2015. Collection method: clinical testing. Allele origin: germline. Affected: no.

GeneDx
Classification: Benign. Last evaluated: 2018-05-25. Review status: criteria provided, single submitter. Criteria: GeneDx Variant Classification (06012015). Collection method: clinical testing. Allele origin: germline. Affected: yes.
Comment: This variant is considered likely benign or benign based on one or more of the following criteria: it is a conservative change, it occurs at a poorly conserved position in the protein, it is predicted to be benign by multiple in silico algorithms, and/or has population frequency not consistent with disease.

Illumina Laboratory Services, Illumina
Classification: Benign for Retinal macular dystrophy type 2. Last evaluated: 2018-01-13. Review status: criteria provided, single submitter. Criteria: ICSL Variant Classification Criteria 13 December 2019. Collection method: clinical testing. Allele origin: germline.
Comment: This variant was observed in the ICSL laboratory as part of a predisposition screen in an ostensibly healthy population. It had not been previously curated by ICSL or reported in the Human Gene Mutation Database (HGMD: prior to June 1st, 2018), and was therefore a candidate for classification through an automated scoring system. Utilizing variant allele frequency, disease prevalence and penetrance estimates, and inheritance mode, an automated score was calculated to assess if this variant is too frequent to cause the disease. Based on the score and internal cut-off values, a variant classified as benign is not then subjected to further curation. The score for this variant resulted in a classification of benign for this disease.

Illumina Laboratory Services, Illumina
Classification: Benign for Retinitis pigmentosa. Last evaluated: 2018-01-13. Review status: criteria provided, single submitter. Criteria: ICSL Variant Classification Criteria 13 December 2019. Collection method: clinical testing. Allele origin: germline.
Comment: the same text as in the submission from Illumina Laboratory Services, Illumina above.

Illumina Laboratory Services, Illumina
Classification: Benign for Stargardt disease 4. Last evaluated: 2018-01-13. Review status: criteria provided, single submitter. Criteria: ICSL Variant Classification Criteria 13 December 2019. Collection method: clinical testing. Allele origin: germline.
Comment: the same text as in the submission from Illumina Laboratory Services, Illumina above.

Illumina Laboratory Services, Illumina
Classification: Benign for Cone-rod dystrophy 12. Last evaluated: 2018-01-13. Review status: criteria provided, single submitter. Criteria: ICSL Variant Classification Criteria 13 December 2019. Collection method: clinical testing. Allele origin: germline.
Comment: the same text as in the submission from Illumina Laboratory Services, Illumina above.

Eurofins Ntd Llc (ga)
Classification: Benign. Last evaluated: 2013-08-20. Review status: criteria provided, single submitter. Criteria: EGL Classification Definitions 2015. Collection method: clinical testing. Allele origin: germline. Observed: 1 variant allele, 1 heterozygote.

Breakthrough Genomics
Classification: Benign. Review status: criteria provided, single submitter. Criteria: ACMG Guidelines, 2015. Collection method: not provided. Allele origin: germline. Inheritance: Autosomal recessive inheritance. Affected: yes.

PreventionGenetics, part of Exact Sciences
Classification: Benign. Review status: criteria provided, single submitter. Criteria: ACMG Guidelines, 2015. Collection method: clinical testing. Allele origin: germline.

Dr. Peter K. Rogan Lab, Western University
No classification provided (evidence only). Condition: Familial cancer of breast. Review status: no classification provided. Collection method: in vitro. Allele origin: not applicable. Functional consequence: retained intron. Not counted in ClinVar's aggregate classification.